The following is an entry in ClinVar:

ClinVar aggregate classification (germline): Pathogenic (1 of 4 stars; one submission).

Submission:

Labcorp Genetics (formerly Invitae), Labcorp
Classification: Pathogenic. Last evaluated: 2024-01-15. Review status: criteria provided, single submitter. Criteria: Invitae Variant Classification Sherloc (09022015). Collection method: clinical testing. Allele origin: germline.
Comment: This variant is a gross deletion of the genomic region encompassing exon(s) 18 of the LPIN1 gene. This deletion is out-of-frame, and is expected to create a premature termination codon and result in an absent or disrupted protein product. Loss-of-function variants in LPIN1 are known to be pathogenic (PMID: 18817903, 20583302, 22481384, 26111941). A similar copy number variant has been observed in individuals with myoglobinuria and rhabdomyolysis (PMID: 20583302, 26402642). Algorithms developed to predict the effect of variants on protein structure and function are not available or were not evaluated for this variant. Experimental studies have shown that a similar copy number variant affects LPIN1 function (PMID: 20583302). For these reasons, this variant has been classified as Pathogenic.

Literature cited by the submitters: PubMed 18817903; PubMed 20583302; PubMed 22481384; PubMed 26111941; PubMed 26402642.

NC_000002.11:g.(?_11959590)_(11959744_?)del

Gene: LPIN1 (lipin 1; plus strand). Cytogenetic location: 2p25.1.
Variant type: Deletion.
Identifiers: ClinVar variation 1459559 (VCV001459559.5).